The following is an entry in ClinVar:

ClinVar aggregate classification (germline): Uncertain significance (1 of 4 stars; one submission).

Conditions:
Left ventricular noncompaction 8 (LVNC8). Identifiers: Orphanet 154, Orphanet 54260, MedGen C3809288, MONDO:0014152, OMIM 615373.

Submission:

Labcorp Genetics (formerly Invitae), Labcorp
Classification: Uncertain significance for Left ventricular noncompaction 8. Last evaluated: 2022-03-10. Review status: criteria provided, single submitter. Criteria: Invitae Variant Classification Sherloc (09022015). Collection method: clinical testing. Allele origin: germline.
Comment: In summary, the available evidence is currently insufficient to determine the role of this variant in disease. Therefore, it has been classified as a Variant of Uncertain Significance. Algorithms developed to predict the effect of missense changes on protein structure and function (SIFT, PolyPhen-2, Align-GVGD) all suggest that this variant is likely to be tolerated. This variant has not been reported in the literature in individuals affected with PRDM16-related conditions. This variant is not present in population databases (gnomAD no frequency). This sequence change replaces lysine, which is basic and polar, with glutamic acid, which is acidic and polar, at codon 1094 of the PRDM16 protein (p.Lys1094Glu).

NM_022114.4(PRDM16):c.3280A>G (p.Lys1094Glu)

Gene: PRDM16 (PR/SET domain 16; plus strand). Cytogenetic location: 1p36.32.
Variant type: single nucleotide variant.
Coding change: c.3280A>G on transcript NM_022114.4 (MANE Select); coding-DNA position 3280, A replaced by G.
Protein change: p.Lys1094Glu; replaces lysine 1094 with glutamic acid.
Molecular consequence: missense variant.
Genome position (GRCh38, 1-based): chr1:3,426,221, A>G. VCF-style: chr1-3426221-A-G. GRCh37 (hg19) VCF-style: chr1-3342785-A-G.
Other names: c.3280A>G, p.Lys1094Glu (NM_199454.3); short protein forms K1094E.
Identifiers: ClinVar variation 1915475 (VCV001915475.5), dbSNP rs2523952197, ClinGen allele CA338002944.